The following is an entry in ClinVar:

ClinVar aggregate classification (germline): Likely benign (1 of 4 stars; one submission).

gnomAD v4.1: 1 of 1,613,054 alleles (0.000062%); no homozygotes.

Submission:

CeGaT Center for Human Genetics Tuebingen
Classification: Likely benign. Last evaluated: 2024-06-01. Review status: criteria provided, single submitter. Criteria: CeGaT Center For Human Genetics Tuebingen Variant Classification Criteria Version 2. Collection method: clinical testing. Allele origin: germline. Affected: yes. Observed: 1 variant allele.
Comment: TTN: BP4, BP7

NM_001267550.2(TTN):c.11311+5190C>T

Genes: TTN (titin; minus strand), LOC126806432 (CDK7 strongly-dependent group 2 enhancer GRCh37_chr2:179611985-179613184; plus strand). Cytogenetic location: 2q31.2.
Variant type: single nucleotide variant.
Coding change: c.11311+5190C>T on transcript NM_001267550.2 (MANE Select); 5190 bases into the intron after coding-DNA position 11311, C replaced by T.
Molecular consequence: intron variant. On other transcripts: synonymous variant (1).
Genome position (GRCh38, 1-based): chr2:178,747,934, G>A on the plus strand (C>T on the coding strand, the complement: TTN is on the minus strand). VCF-style: chr2-178747934-G-A. GRCh37 (hg19) VCF-style: chr2-179612661-G-A.
Other names: c.14466C>T, p.Leu4822= (NM_133379.5); c.10222+5190C>T (NM_003319.4); c.10798+5190C>T (NM_133437.4); c.10597+5190C>T (NM_133432.3); c.10360+5190C>T (NM_133378.4, NM_001256850.1).
Identifiers: ClinVar variation 3250843 (VCV003250843.18), dbSNP rs573214594.
Genomic context (GRCh38, chr2:178,747,934, plus strand): 5'-ATTCTGTTGTTCTTCAGTCATCAAGAGTGGGAAGCACTGACTCAGGGAGAGCTGTCTATG[G>A]AGTGTGTCAGCTTCCTGAACATCACCTCTGTGGTCTTCCAAAGTGGCATCTGTATATTCC-3'